The following is an entry in ClinVar:

ClinVar aggregate classification (germline): Pathogenic. Review status: criteria provided, single submitter (1 of 4 stars). 2 submissions from 2 submitters: Pathogenic (1). 1 of the submissions does not count toward it. Last evaluated 2026-08-25.

Conditions:
TULP3-related condition.
Hepatorenocardiac degenerative fibrosis. Identifiers: MedGen C5676996, MONDO:0859254, OMIM 619902.

Allele frequency attached by ClinVar (database versions not stated): gnomAD 0.00001; TOPMed 0.00001; gnomAD exomes 0.00002 and 0.00004; ExAC 0.00003; ESP Exome Variant Server 0.00008.
gnomAD v4.1: 59 of 1,607,882 alleles (0.0037%); highest among the groups gnomAD compares: South Asian, 0.0044%; no homozygotes.

Submissions (2):

PreventionGenetics, part of Exact Sciences
Classification: Pathogenic for TULP3-related condition. Last evaluated: 2026-08-25. Review status: criteria provided, single submitter. Criteria: ACMG Guidelines, 2015. Collection method: clinical testing. Allele origin: germline.
Comment: The TULP3 c.1023+1G>A variant is predicted to disrupt the GT donor site and interfere with normal splicing. This variant has been observed to segregate with hepatorenocardiac degenerative fibrosis in the homozygous and compound heterozygous states in two affected families (Devane et al. 2022. PubMed ID: 35397207). This variant is reported in 0.0066% of alleles in individuals of South Asian descent in gnomAD. Variants that disrupt the consensus splice donor site in TULP3 are expected to be pathogenic. This variant is interpreted as pathogenic.

OMIM
Classification: Pathogenic for HEPATORENOCARDIAC DEGENERATIVE FIBROSIS. Last evaluated: 2022-05-27. Review status: no assertion criteria provided. Collection method: literature only. Allele origin: germline. Not counted in ClinVar's aggregate classification.

Literature cited by the submitters: PubMed 35397207 (cited by OMIM).

NM_003324.5(TULP3):c.1023+1G>A

Gene: TULP3 (TUB like protein 3; plus strand). Cytogenetic location: 12p13.33.
Variant type: single nucleotide variant.
Coding change: c.1023+1G>A on transcript NM_003324.5 (MANE Select); the canonical splice donor site of the intron after coding-DNA position 1023, G replaced by A.
Molecular consequence: splice donor variant.
Genome position (GRCh38, 1-based): chr12:2,937,730, G>A. VCF-style: chr12-2937730-G-A. GRCh37 (hg19) VCF-style: chr12-3046896-G-A.
Other names: IVS9, G-A, +1 (rs202037575); c.1023+1G>A (NM_001160408.1, NM_001160408.2).
Identifiers: ClinVar variation 1687115 (VCV001687115.2), dbSNP rs202037575, ClinGen allele CA6392819.